The following is an entry in ClinVar:

NM_001408.3(CELSR2):c.8054+10G>A

Gene: CELSR2 (cadherin EGF LAG seven-pass G-type receptor 2; plus strand). Cytogenetic location: 1p13.3.
Variant type: single nucleotide variant.
Coding change: c.8054+10G>A on transcript NM_001408.3 (MANE Select); 10 bases into the intron after coding-DNA position 8054, G replaced by A.
Molecular consequence: intron variant.
Genome position (GRCh38, 1-based): chr1:109,272,415, G>A. VCF-style: chr1-109272415-G-A. GRCh37 (hg19) VCF-style: chr1-109815037-G-A.
Identifiers: ClinVar variation 3037858 (VCV003037858.4), dbSNP rs372059046, ClinGen allele CA988441.

ClinVar aggregate classification (germline): Likely benign. Review status: criteria provided, single submitter (1 of 4 stars). 2 submissions from 2 submitters: Likely benign (1). 1 of the submissions does not count toward it. Last evaluated 2024-08-30.

Conditions:
CELSR2-related disorder. Also called: CELSR2-related condition.

Allele frequency attached by ClinVar (database versions not stated): ExAC 0.00008; ESP Exome Variant Server 0.00008; gnomAD exomes 0.00012; gnomAD 0.00013; TOPMed 0.00016.
gnomAD v4.1: 190 of 1,601,418 alleles (0.012%); highest among the groups gnomAD compares: Middle Eastern, 0.033%; no homozygotes.

Submissions (2):

Labcorp Genetics (formerly Invitae), Labcorp
Classification: Likely benign. Last evaluated: 2024-08-30. Review status: criteria provided, single submitter. Criteria: Invitae Variant Classification Sherloc (09022015). Collection method: clinical testing. Allele origin: germline.

PreventionGenetics, part of Exact Sciences
Classification: Likely benign for CELSR2-related condition. Last evaluated: 2019-03-05. Review status: no assertion criteria provided. Collection method: clinical testing. Allele origin: germline. Not counted in ClinVar's aggregate classification.
Comment: This variant is classified as likely benign based on ACMG/AMP sequence variant interpretation guidelines (Richards et al. 2015 PMID: 25741868, with internal and published modifications).